The following is an entry in ClinVar:

NM_001009944.3(PKD1):c.11152_11153del (p.Thr3718fs)

Genes: PKD1 (polycystin 1, transient receptor potential channel interacting; minus strand), PKD1-AS1 (PKD1 antisense RNA 1; plus strand). Cytogenetic location: 16p13.3.
Variant type: Deletion.
Coding change: c.11152_11153del on transcript NM_001009944.3 (MANE Select); coding-DNA positions 11152 to 11153, 2 bases deleted (AC; older notation c.11152_11153delAC).
Protein change: p.Thr3718fs; shifts the reading frame from threonine 3718.
Molecular consequence: frameshift variant. On other transcripts: non-coding transcript variant (1).
Genome position (GRCh38, 1-based): chr16:2,092,957-2,092,958, GT deleted on the plus strand (AC on the coding strand, the reverse complement: PKD1 is on the minus strand); deleting any 2 consecutive bases within chr16:2,092,957-2,092,959 gives the same sequence; the c. name uses the placement nearest the transcript's 3' end. VCF-style (leftmost placement, unchanged base first): chr16-2092956-CGT-C. GRCh37 (hg19) VCF-style: chr16-2142957-CGT-C.
Other names: c.11149_11150del, p.Thr3717fs (NM_000296.4); short protein forms T3717fs, T3718fs.
Identifiers: ClinVar variation 3066205 (VCV003066205.1), dbSNP rs2544637927, ClinGen allele CA2740097823.

ClinVar aggregate classification (germline): Pathogenic (1 of 4 stars; one submission).

Conditions:
Polycystic kidney disease, adult type (PKD1). Also called: Polycystic Kidney, Autosomal Dominant; POLYCYSTIC KIDNEY DISEASE 1 WITH OR WITHOUT POLYCYSTIC LIVER DISEASE; Polycystic Kidney Disease 1, Autosomal Dominant; Polycystic kidney disease 1; Polycystic kidney disease 1, severe; POLYCYSTIC KIDNEY DISEASE, ADULT, TYPE I. Identifiers: MedGen C3149841, MONDO:0008263, OMIM 173900.

Submission:

MVZ Medizinische Genetik Mainz
Classification: Pathogenic for Polycystic kidney disease, adult type. Last evaluated: 2022-02-15. Review status: criteria provided, single submitter. Criteria: UK Practice Guidelines For Variant Classification V4 01 2020. Collection method: clinical testing. Allele origin: germline. Inheritance: Autosomal dominant inheritance. Affected: yes. Observed: 1 variant allele.
Comment: ACMG Criteria: PVS1, PM2_SUP, PP4 (ACMG Version 3)